The following is an entry in ClinVar:

ClinVar aggregate classification (germline): Uncertain significance (1 of 4 stars; one submission).

Allele frequency attached by ClinVar (database versions not stated): gnomAD 0.00001; TOPMed 0.00001; gnomAD exomes 0.00003 and 0.00009; ExAC 0.00017.
gnomAD v4.1: 44 of 1,613,578 alleles (0.0027%); highest among the groups gnomAD compares: Non-Finnish European, 0.003%; no homozygotes.

Submission:

Labcorp Genetics (formerly Invitae), Labcorp
Classification: Uncertain significance. Last evaluated: 2021-08-24. Review status: criteria provided, single submitter. Criteria: Invitae Variant Classification Sherloc (09022015). Collection method: clinical testing. Allele origin: germline.
Comment: This sequence change replaces proline with leucine at codon 98 of the RBP3 protein (p.Pro98Leu). The proline residue is weakly conserved and there is a moderate physicochemical difference between proline and leucine. This variant is present in population databases (rs782153944, ExAC 0.03%). This variant has not been reported in the literature in individuals affected with RBP3-related conditions. Algorithms developed to predict the effect of missense changes on protein structure and function are either unavailable or do not agree on the potential impact of this missense change (SIFT: "Deleterious"; PolyPhen-2: "Benign"; Align-GVGD: "Class C15"). In summary, the available evidence is currently insufficient to determine the role of this variant in disease. Therefore, it has been classified as a Variant of Uncertain Significance.

NM_002900.3(RBP3):c.293C>T (p.Pro98Leu)

Gene: RBP3 (retinol binding protein 3; plus strand). Cytogenetic location: 10q11.22.
Variant type: single nucleotide variant.
Coding change: c.293C>T on transcript NM_002900.3 (MANE Select); coding-DNA position 293, C replaced by T.
Protein change: p.Pro98Leu; replaces proline 98 with leucine.
Molecular consequence: missense variant.
Genome position (GRCh38, 1-based): chr10:47,348,777, C>T. VCF-style: chr10-47348777-C-T. GRCh37 (hg19) VCF-style: chr10-48390585-G-A.
Other names: short protein forms P98L.
Identifiers: ClinVar variation 1021573 (VCV001021573.6), dbSNP rs782153944, ClinGen allele CA5487821.